The following is an entry in ClinVar:

NM_172351.3(CD46):c.83T>A (p.Leu28Gln)

Genes: CD46 (CD46 molecule; plus strand), LOC129932405 (ATAC-STARR-seq lymphoblastoid active region 2449; plus strand). Cytogenetic location: 1q32.2.
Variant type: single nucleotide variant.
Coding change: c.83T>A on transcript NM_172351.3 (MANE Select); coding-DNA position 83, T replaced by A.
Protein change: p.Leu28Gln; replaces leucine 28 with glutamine.
Molecular consequence: missense variant.
Genome position (GRCh38, 1-based): chr1:207,752,295, T>A. VCF-style: chr1-207752295-T-A. GRCh37 (hg19) VCF-style: chr1-207925640-T-A.
Other names: c.83T>A, p.Leu28Gln (NM_002389.4, NM_153826.4, NM_172350.3 and 8 more transcripts); short protein forms L28Q.
Identifiers: ClinVar variation 4291234 (VCV004291234.1).

ClinVar aggregate classification (germline): Uncertain significance (1 of 4 stars; one submission).

Conditions:
Atypical hemolytic-uremic syndrome. Identifiers: Orphanet 2134, MedGen C2931788, MONDO:0016244.

gnomAD v4.1: 5 of 1,614,092 alleles (0.00031%); highest among the groups gnomAD compares: East Asian, 0.011%; no homozygotes.

Submission:

Genomenon, Inc
Classification: Uncertain significance for Atypical hemolytic-uremic syndrome. Last evaluated: 2025-10-02. Review status: criteria provided, single submitter. Criteria: Genomenon Sequence Variant Interpretation Standards. Collection method: curation. Allele origin: germline. Affected: no.
Comment: CD46 p.Leu28Gln (c.83T>A) is a missense variant that changes the amino acid at residue 28 from Leucine to Glutamine. This variant has been reported in the published literature (PMID:29566171). It is absent or not present at a significant frequency in gnomAD. In silico models agree that this variant is not damaging. In conclusion, we classify CD46 p.Leu28Gln (c.83T>A) as a variant of uncertain significance.

Literature cited by the submitters: PubMed 29566171.